The following is an entry in ClinVar:

ClinVar aggregate classification (germline): Uncertain significance (1 of 4 stars; one submission).

Conditions:
Inborn genetic diseases. Identifiers: MedGen C0950123, MeSH D030342.

Submission:

Ambry Genetics
Classification: Uncertain significance for Inborn genetic diseases. Last evaluated: 2025-12-03. Review status: criteria provided, single submitter. Criteria: Ambry Variant Classification Scheme 2023. Collection method: clinical testing. Allele origin: germline.
Comment: The p.D1205E variant (also known as c.3615C>A), located in coding exon 17 of the MECOM gene, results from a C to A substitution at nucleotide position 3615. The aspartic acid at codon 1205 is replaced by glutamic acid, an amino acid with highly similar properties. This amino acid position is conserved. In addition, this alteration is predicted to be tolerated by in silico analysis. Based on the available evidence, the clinical significance of this variant remains unclear.

NM_004991.4(MECOM):c.3615C>A (p.Asp1205Glu)

Gene: MECOM (MDS1 and EVI1 complex locus; minus strand). Cytogenetic location: 3q26.2.
Variant type: single nucleotide variant.
Coding change: c.3615C>A on transcript NM_004991.4 (MANE Select); coding-DNA position 3615, C replaced by A.
Protein change: p.Asp1205Glu; replaces aspartic acid 1205 with glutamic acid.
Molecular consequence: missense variant.
Genome position (GRCh38, 1-based): chr3:169,085,014, G>T on the plus strand (C>A on the coding strand, the complement: MECOM is on the minus strand). VCF-style: chr3-169085014-G-T. GRCh37 (hg19) VCF-style: chr3-168802802-G-T.
Other names: c.3246C>A, p.Asp1082Glu (NM_001105077.4); c.3051C>A, p.Asp1017Glu (NM_001105078.4, NM_001205194.2, NM_001366469.2 and 1 more transcripts); c.3027C>A, p.Asp1009Glu (NM_001163999.2, NM_001366470.2); c.3024C>A, p.Asp1008Glu (NM_001164000.2, NM_001366471.2, NM_001366472.2); c.3588C>A, p.Asp1196Glu (NM_001366466.2); c.3054C>A, p.Asp1018Glu (NM_001366467.2, NM_001366468.2); c.2616C>A, p.Asp872Glu (NM_001366473.2); c.2052C>A, p.Asp684Glu (NM_001366474.2); short protein forms D1008E, D1196E, D1009E, D1017E, D1018E, D1205E, D684E, D872E.
Identifiers: ClinVar variation 4624729 (VCV004624729.1).